The following is an entry in ClinVar:

NM_001081.4(CUBN):c.836A>G (p.Gln279Arg)

Gene: CUBN (cubilin; minus strand). Cytogenetic location: 10p13.
Variant type: single nucleotide variant.
Coding change: c.836A>G on transcript NM_001081.4 (MANE Select); coding-DNA position 836, A replaced by G.
Protein change: p.Gln279Arg; replaces glutamine 279 with arginine.
Molecular consequence: missense variant.
Genome position (GRCh38, 1-based): chr10:17,114,074, T>C on the plus strand (A>G on the coding strand, the complement: CUBN is on the minus strand). VCF-style: chr10-17114074-T-C. GRCh37 (hg19) VCF-style: chr10-17156073-T-C.
Other names: short protein forms Q279R.
Identifiers: ClinVar variation 2154455 (VCV002154455.4), dbSNP rs762285755, ClinGen allele CA5425492.

ClinVar aggregate classification (germline): Uncertain significance (1 of 4 stars; one submission).

Conditions:
Imerslund-Grasbeck syndrome. Also called: Megaloblastic anemia due to inborn errors of metabolism; ENTEROCYTE COBALAMIN MALABSORPTION; ENTEROCYTE INTRINSIC FACTOR RECEPTOR, DEFECT OF; PERNICIOUS ANEMIA, JUVENILE, DUE TO SELECTIVE INTESTINAL MALABSORPTION OF VITAMIN B12, WITH PROTEINURIA; Imerslund-Gräsbeck syndrome. Identifiers: Orphanet 35858, MedGen C4551825, MONDO:0009853.

Allele frequency attached by ClinVar (database versions not stated): gnomAD 0.00003; gnomAD exomes 0.00003; TOPMed 0.00005; ExAC 0.00008.

Submission:

Labcorp Genetics (formerly Invitae), Labcorp
Classification: Uncertain significance for Imerslund-Grasbeck syndrome. Last evaluated: 2025-06-12. Review status: criteria provided, single submitter. Criteria: Invitae Variant Classification Sherloc (09022015). Collection method: clinical testing. Allele origin: germline.
Comment: This sequence change replaces glutamine, which is neutral and polar, with arginine, which is basic and polar, at codon 279 of the CUBN protein (p.Gln279Arg). The frequency data for this variant in the population databases is considered unreliable, as metrics indicate poor data quality at this position in the gnomAD database. This variant has not been reported in the literature in individuals affected with CUBN-related conditions. ClinVar contains an entry for this variant (Variation ID: 2154455). Invitae Evidence Modeling of protein sequence and biophysical properties (such as structural, functional, and spatial information, amino acid conservation, physicochemical variation, residue mobility, and thermodynamic stability) indicates that this missense variant is not expected to disrupt CUBN protein function with a negative predictive value of 80%. In summary, the available evidence is currently insufficient to determine the role of this variant in disease. Therefore, it has been classified as a Variant of Uncertain Significance.